The following is an entry in ClinVar:

NM_000264.5(PTCH1):c.2530T>C (p.Trp844Arg)

Genes: PTCH1 (patched 1; minus strand), LOC100507346 (uncharacterized LOC100507346; plus strand). Cytogenetic location: 9q22.32.
Variant type: single nucleotide variant.
Coding change: c.2530T>C on transcript NM_000264.5 (MANE Select); coding-DNA position 2530, T replaced by C.
Protein change: p.Trp844Arg; replaces tryptophan 844 with arginine.
Molecular consequence: missense variant. On other transcripts: non-coding transcript variant (2).
Genome position (GRCh38, 1-based): chr9:95,467,146, A>G on the plus strand (T>C on the coding strand, the complement: PTCH1 is on the minus strand). VCF-style: chr9-95467146-A-G. GRCh37 (hg19) VCF-style: chr9-98229428-A-G.
Other names: c.2332T>C, p.Trp778Arg (NM_001083602.3); c.2527T>C, p.Trp843Arg (NM_001083603.3); c.2077T>C, p.Trp693Arg (NM_001083604.3, NM_001083605.3, NM_001083606.3 and 1 more transcripts); c.2374T>C, p.Trp792Arg (NM_001354918.2); short protein forms W792R, W843R, W693R, W778R, W844R.
Identifiers: ClinVar variation 1505183 (VCV001505183.10), dbSNP rs2117947928, ClinGen allele CA374113780.
Genomic context (GRCh38, chr9:95,467,146, plus strand): 5'-AAAGGACGAGAGCCTCCCACGCCGTCTTACCCTGAAGCCAGTCTCTGAAGTAGTGCAGCC[A>G]CATTTTGGGAAGCTGTTTGTTTTCTTCCAACATGACATACTTCACGTTACTGAAACTCCT-3'
Protein context (NP_000255.2, residues 834-854): LEENKQLPKM[Trp844Arg]LHYFRDWLQG

ClinVar aggregate classification (germline): Conflicting classifications of pathogenicity. Review status: criteria provided, conflicting classifications (1 of 4 stars). 2 submissions from 2 submitters: Likely pathogenic (1); Uncertain significance (1). Last evaluated 2021-02-19.

Conditions:
Basal cell carcinoma, susceptibility to, 1. Also called: BCC1. Identifiers: MedGen C2751544, MONDO:0011556, OMIM 605462.
Basal cell nevus syndrome 1 (BCNS1). Also called: GORLIN-GOLTZ SYNDROME; MULTIPLE BASAL CELL NEVI, ODONTOGENIC KERATOCYSTS, AND SKELETAL ANOMALIES. Identifiers: MedGen CN376810, MONDO:0958174, OMIM 109400.
Holoprosencephaly 7 (HPE7). Identifiers: Orphanet 2162, MedGen C1835820, MONDO:0012562, OMIM 610828.
Gorlin syndrome. Also called: Nevoid Basal Cell Carcinoma Syndrome; Basal cell nevus syndrome. Identifiers: Orphanet 377, MedGen C0004779, MONDO:0007187.

Submissions (2):

Labcorp Genetics (formerly Invitae), Labcorp
Classification: Likely pathogenic for Gorlin syndrome. Last evaluated: 2021-02-19. Review status: criteria provided, single submitter. Criteria: Invitae Variant Classification Sherloc (09022015). Collection method: clinical testing. Allele origin: germline.
Comment: This sequence change replaces tryptophan with arginine at codon 844 of the PTCH1 protein (p.Trp844Arg). The tryptophan residue is highly conserved and there is a moderate physicochemical difference between tryptophan and arginine. This variant is not present in population databases (ExAC no frequency). This variant has been observed in individual(s) with clinical features of Basal cell nevus syndrome (BCNS) (Invitae). In at least one individual the variant was observed to be de novo. Advanced modeling of protein sequence and biophysical properties (such as structural, functional, and spatial information, amino acid conservation, physicochemical variation, residue mobility, and thermodynamic stability) performed at Invitae indicates that this missense variant is expected to disrupt PTCH1 protein function. In summary, the currently available evidence indicates that the variant is pathogenic, but additional data are needed to prove that conclusively. Therefore, this variant has been classified as Likely Pathogenic.

Juno Genomics, Hangzhou Juno Genomics, Inc
Classification: Uncertain significance for Basal cell nevus syndrome 1; Basal cell carcinoma, susceptibility to, 1; Holoprosencephaly 7. Review status: criteria provided, single submitter. Criteria: ACMG Guidelines, 2015. Collection method: clinical testing. Allele origin: germline.
Comment: Absent from controls (or at extremely low frequency if recessive) in Genome Aggregation Database.;Missense variant in a gene that has a low rate of benign missense variation.;Multiple lines of computational evidence support a deleterious effect on the gene or gene product.